The following is an entry in ClinVar:

NM_032447.5(FBN3):c.3400G>A (p.Gly1134Ser)

Gene: FBN3 (fibrillin 3; minus strand). Cytogenetic location: 19p13.2.
Variant type: single nucleotide variant.
Coding change: c.3400G>A on transcript NM_032447.5 (MANE Select); coding-DNA position 3400, G replaced by A.
Protein change: p.Gly1134Ser; replaces glycine 1134 with serine.
Molecular consequence: missense variant.
Genome position (GRCh38, 1-based): chr19:8,117,527, C>T on the plus strand (G>A on the coding strand, the complement: FBN3 is on the minus strand). VCF-style: chr19-8117527-C-T. GRCh37 (hg19) VCF-style: chr19-8182411-C-T.
Other names: c.3400G>A, p.Gly1134Ser (NM_001321431.2); short protein forms G1134S.
Identifiers: ClinVar variation 3093379 (VCV003093379.2), dbSNP rs768183863, ClinGen allele CA9152461.

ClinVar aggregate classification (germline): Uncertain significance. Review status: criteria provided, multiple submitters, no conflicts (2 of 4 stars). 2 submissions from 2 submitters: Uncertain significance (2). Last evaluated 2025-09-15.

Allele frequency attached by ClinVar (database versions not stated): gnomAD 0.00001; TOPMed 0.00002; ExAC 0.00005.
gnomAD v4.1: 32 of 1,558,262 alleles (0.0021%); highest among the groups gnomAD compares: Admixed American, 0.0038%; no homozygotes.

Submissions (2):

Labcorp Genetics (formerly Invitae), Labcorp
Classification: Uncertain significance. Last evaluated: 2025-09-15. Review status: criteria provided, single submitter. Criteria: Invitae Variant Classification Sherloc (09022015). Collection method: clinical testing. Allele origin: germline.
Comment: This sequence change replaces glycine, which is neutral and non-polar, with serine, which is neutral and polar, at codon 1134 of the FBN3 protein (p.Gly1134Ser). This variant is present in population databases (rs768183863, gnomAD 0.008%). This variant has not been reported in the literature in individuals affected with FBN3-related conditions. ClinVar contains an entry for this variant (Variation ID: 3093379). Invitae Evidence Modeling of protein sequence and biophysical properties (such as structural, functional, and spatial information, amino acid conservation, physicochemical variation, residue mobility, and thermodynamic stability) indicates that this missense variant is expected to disrupt FBN3 protein function with a positive predictive value of 80%. In summary, the available evidence is currently insufficient to determine the role of this variant in disease. Therefore, it has been classified as a Variant of Uncertain Significance.

Ambry Genetics
Classification: Uncertain significance. Last evaluated: 2023-12-07. Review status: criteria provided, single submitter. Criteria: Ambry Variant Classification Scheme 2023. Collection method: clinical testing. Allele origin: germline.